The following is an entry in ClinVar:

ClinVar aggregate classification (germline): Uncertain significance. Review status: criteria provided, multiple submitters, no conflicts (2 of 4 stars). 2 submissions from 2 submitters: Uncertain significance (2). Last evaluated 2025-09-26.

Conditions:
Hereditary cancer-predisposing syndrome. Also called: Neoplastic Syndromes, Hereditary; Tumor predisposition; Hereditary neoplastic syndrome; Hereditary Cancer Syndrome. Identifiers: Orphanet 140162, MedGen C0027672, MeSH D009386, MONDO:0015356.

Allele frequency attached by ClinVar (database versions not stated): gnomAD exomes below 0.00001 and 0.00001; ExAC 0.00001.
gnomAD v4.1: 1 of 1,613,098 alleles (0.000062%); highest among the groups gnomAD compares: East Asian, 0.0022%; no homozygotes.

Submissions (2):

Quest Diagnostics Nichols Institute San Juan Capistrano
Classification: Uncertain significance. Last evaluated: 2025-09-26. Review status: criteria provided, single submitter. Criteria: Quest Diagnostics criteria. Collection method: clinical testing. Allele origin: unknown.
Comment: The RAD50 c.1750T>C (p.Ser584Pro) variant has been reported in the published literature in an individual with breast cancer (PMID: 33471991 (2021), see LOVD). The frequency of this variant in the general population (Genome Aggregation Database) is uninformative in the assessment of its pathogenicity. Analysis of this variant using a bioinformatics tool (i.e., MutationTaster) for the prediction of the effect of amino acid changes on protein structure and function yielded a prediction that this variant is benign. Based on the available information, we are unable to determine the clinical significance of this variant.

Labcorp Genetics (formerly Invitae), Labcorp
Classification: Uncertain significance for Hereditary cancer-predisposing syndrome. Last evaluated: 2024-11-04. Review status: criteria provided, single submitter. Criteria: Invitae Variant Classification Sherloc (09022015). Collection method: clinical testing. Allele origin: germline.
Comment: This sequence change replaces serine, which is neutral and polar, with proline, which is neutral and non-polar, at codon 584 of the RAD50 protein (p.Ser584Pro). This variant is present in population databases (rs776844902, gnomAD 0.01%). This variant has not been reported in the literature in individuals affected with RAD50-related conditions. ClinVar contains an entry for this variant (Variation ID: 662897). Invitae Evidence Modeling of protein sequence and biophysical properties (such as structural, functional, and spatial information, amino acid conservation, physicochemical variation, residue mobility, and thermodynamic stability) indicates that this missense variant is expected to disrupt RAD50 protein function with a positive predictive value of 80%. In summary, the available evidence is currently insufficient to determine the role of this variant in disease. Therefore, it has been classified as a Variant of Uncertain Significance.

Literature cited by the submitters: PubMed 33471991 (cited by Quest Diagnostics Nichols Institute San Juan Capistrano).

NM_005732.4(RAD50):c.1750T>C (p.Ser584Pro)

Gene: RAD50 (RAD50 double strand break repair protein; plus strand). Cytogenetic location: 5q31.1.
Variant type: single nucleotide variant.
Coding change: c.1750T>C on transcript NM_005732.4 (MANE Select); coding-DNA position 1750, T replaced by C.
Protein change: p.Ser584Pro; replaces serine 584 with proline.
Molecular consequence: missense variant.
Genome position (GRCh38, 1-based): chr5:132,591,991, T>C. VCF-style: chr5-132591991-T-C. GRCh37 (hg19) VCF-style: chr5-131927683-T-C.
Other names: short protein forms S584P.
Identifiers: ClinVar variation 662897 (VCV000662897.10), dbSNP rs776844902, ClinGen allele CA3405239.